The following is an entry in ClinVar:

NM_000368.5(TSC1):c.211-3C>A

Gene: TSC1 (TSC complex subunit 1; minus strand). Cytogenetic location: 9q34.13.
Variant type: single nucleotide variant.
Coding change: c.211-3C>A on transcript NM_000368.5 (MANE Select); 3 bases into the intron before coding-DNA position 211, C replaced by A.
Molecular consequence: intron variant.
Genome position (GRCh38, 1-based): chr9:132,925,742, G>T on the plus strand (C>A on the coding strand, the complement: TSC1 is on the minus strand). VCF-style: chr9-132925742-G-T. GRCh37 (hg19) VCF-style: chr9-135801129-G-T.
Other names: c.-667-3C>A (NM_001406626.1, NM_001406627.1, NM_001406628.1); c.211-3C>A (NM_001406604.1, NM_001406608.1, NM_001162426.2 and 16 more transcripts); c.-883-3C>A (NM_001406630.1); c.-245-3C>A (NM_001406624.1, NM_001406616.1, NM_001406614.1); c.-278-3C>A (NM_001406623.1, NM_001406615.1); c.-153-3C>A (NM_001406620.1, NM_001406618.1, NM_001406625.1 and 5 more transcripts); c.210+1459C>A (NM_001406613.1, NM_001406612.1, NM_001406610.1 and 2 more transcripts); c.-809-3C>A (NM_001406629.1).
Identifiers: ClinVar variation 2704745 (VCV002704745.3), dbSNP rs1564501920, ClinGen allele CA645557273.

ClinVar aggregate classification (germline): Uncertain significance (1 of 4 stars; one submission).

Conditions:
Tuberous sclerosis 1 (TSC1). Identifiers: Orphanet 805, MedGen C1854465, MONDO:0008612, OMIM 191100.

Submission:

Labcorp Genetics (formerly Invitae), Labcorp
Classification: Uncertain significance for Tuberous sclerosis 1. Last evaluated: 2024-05-13. Review status: criteria provided, single submitter. Criteria: Invitae Variant Classification Sherloc (09022015). Collection method: clinical testing. Allele origin: germline.
Comment: This sequence change falls in intron 4 of the TSC1 gene. It does not directly change the encoded amino acid sequence of the TSC1 protein. It affects a nucleotide within the consensus splice site. This variant is not present in population databases (gnomAD no frequency). This variant has not been reported in the literature in individuals affected with TSC1-related conditions. Variants that disrupt the consensus splice site are a relatively common cause of aberrant splicing (PMID: 17576681, 9536098). Algorithms developed to predict the effect of sequence changes on RNA splicing suggest that this variant may disrupt the consensus splice site. In summary, the available evidence is currently insufficient to determine the role of this variant in disease. Therefore, it has been classified as a Variant of Uncertain Significance.

Literature cited by the submitters: PubMed 17576681; PubMed 9536098.